The following is an entry in ClinVar:

NM_001291303.3(FAT4):c.8344C>A (p.His2782Asn)

Gene: FAT4 (FAT atypical cadherin 4; plus strand). Cytogenetic location: 4q28.1.
Variant type: single nucleotide variant.
Coding change: c.8344C>A on transcript NM_001291303.3 (MANE Select); coding-DNA position 8344, C replaced by A.
Protein change: p.His2782Asn; replaces histidine 2782 with asparagine.
Molecular consequence: missense variant.
Genome position (GRCh38, 1-based): chr4:125,449,354, C>A. VCF-style: chr4-125449354-C-A. GRCh37 (hg19) VCF-style: chr4-126370509-C-A.
Other names: c.8344C>A, p.His2782Asn (NM_001291285.3); c.8338C>A, p.His2780Asn (NM_024582.6); c.8338C>A (NM_024582.4); short protein forms H2780N, H2782N.
Identifiers: ClinVar variation 1933067 (VCV001933067.3), dbSNP rs776841261, ClinGen allele CA3073354.

ClinVar aggregate classification (germline): Uncertain significance. Review status: criteria provided, multiple submitters, no conflicts (2 of 4 stars). 2 submissions from 2 submitters: Uncertain significance (2). Last evaluated 2024-01-25.

Allele frequency attached by ClinVar (database versions not stated): TOPMed below 0.00001; ExAC 0.00001.
gnomAD v4.1: 7 of 1,613,772 alleles (0.00043%); highest among the groups gnomAD compares: Admixed American, 0.01%; no homozygotes.

Submissions (2):

GeneDx
Classification: Uncertain significance. Last evaluated: 2024-01-25. Review status: criteria provided, single submitter. Criteria: GeneDx Variant Classification Process June 2021. Collection method: clinical testing. Allele origin: germline. Affected: yes.
Comment: Not observed at significant frequency in large population cohorts (gnomAD); In silico analysis supports that this missense variant does not alter protein structure/function; Has not been previously published as pathogenic or benign to our knowledge

Labcorp Genetics (formerly Invitae), Labcorp
Classification: Uncertain significance. Last evaluated: 2022-10-21. Review status: criteria provided, single submitter. Criteria: Invitae Variant Classification Sherloc (09022015). Collection method: clinical testing. Allele origin: germline.
Comment: This sequence change replaces histidine, which is basic and polar, with asparagine, which is neutral and polar, at codon 2780 of the FAT4 protein (p.His2780Asn). This variant is present in population databases (rs776841261, gnomAD 0.01%). This variant has not been reported in the literature in individuals affected with FAT4-related conditions. Advanced modeling of protein sequence and biophysical properties (such as structural, functional, and spatial information, amino acid conservation, physicochemical variation, residue mobility, and thermodynamic stability) performed at Invitae indicates that this missense variant is not expected to disrupt FAT4 protein function. In summary, the available evidence is currently insufficient to determine the role of this variant in disease. Therefore, it has been classified as a Variant of Uncertain Significance.